The following is an entry in ClinVar:

NM_017654.4(SAMD9):c.2999A>G (p.Tyr1000Cys)

Gene: SAMD9 (sterile alpha motif domain containing 9; minus strand). Cytogenetic location: 7q21.2.
Variant type: single nucleotide variant.
Coding change: c.2999A>G on transcript NM_017654.4 (MANE Select); coding-DNA position 2999, A replaced by G.
Protein change: p.Tyr1000Cys; replaces tyrosine 1000 with cysteine.
Molecular consequence: missense variant.
Genome position (GRCh38, 1-based): chr7:93,103,099, T>C on the plus strand (A>G on the coding strand, the complement: SAMD9 is on the minus strand). VCF-style: chr7-93103099-T-C. GRCh37 (hg19) VCF-style: chr7-92732412-T-C.
Other names: c.2999A>G, p.Tyr1000Cys (NM_001193307.2); short protein forms Y1000C.
Identifiers: ClinVar variation 4704478 (VCV004704478.1).

ClinVar aggregate classification (germline): Uncertain significance (1 of 4 stars; one submission).

Submission:

Labcorp Genetics (formerly Invitae), Labcorp
Classification: Uncertain significance. Last evaluated: 2025-05-08. Review status: criteria provided, single submitter. Criteria: Invitae Variant Classification Sherloc (09022015). Collection method: clinical testing. Allele origin: germline.
Comment: This sequence change replaces tyrosine, which is neutral and polar, with cysteine, which is neutral and slightly polar, at codon 1000 of the SAMD9 protein (p.Tyr1000Cys). This variant is not present in population databases (gnomAD no frequency). This variant has not been reported in the literature in individuals affected with SAMD9-related conditions. Invitae Evidence Modeling of protein sequence and biophysical properties (such as structural, functional, and spatial information, amino acid conservation, physicochemical variation, residue mobility, and thermodynamic stability) has been performed for this missense variant. However, the output from this modeling did not meet the statistical confidence thresholds required to predict the impact of this variant on SAMD9 protein function. In summary, the available evidence is currently insufficient to determine the role of this variant in disease. Therefore, it has been classified as a Variant of Uncertain Significance.